The following is an entry in ClinVar:

NM_000548.5(TSC2):c.1510G>T (p.Val504Phe)

Gene: TSC2 (TSC complex subunit 2; plus strand). Cytogenetic location: 16p13.3.
Variant type: single nucleotide variant.
Coding change: c.1510G>T on transcript NM_000548.5 (MANE Select); coding-DNA position 1510, G replaced by T.
Protein change: p.Val504Phe; replaces valine 504 with phenylalanine.
Molecular consequence: missense variant.
Genome position (GRCh38, 1-based): chr16:2,064,338, G>T. VCF-style: chr16-2064338-G-T. GRCh37 (hg19) VCF-style: chr16-2114339-G-T.
Other names: c.1510G>T, p.Val504Phe (NM_001077183.3, NM_001114382.3, NM_001363528.2 and 3 more transcripts); c.1399G>T, p.Val467Phe (NM_001318827.2); c.1363G>T, p.Val455Phe (NM_001318829.2); c.910G>T, p.Val304Phe (NM_001318831.2); c.1543G>T, p.Val515Phe (NM_001318832.2); c.1510G>T (NM_000548.3); short protein forms V515F, V467F, V304F, V455F, V504F.
Identifiers: ClinVar variation 1518722 (VCV001518722.7), dbSNP rs768707639, ClinGen allele CA030954.

ClinVar aggregate classification (germline): Conflicting classifications of pathogenicity. Review status: criteria provided, conflicting classifications (1 of 4 stars). 2 submissions from 2 submitters: Uncertain significance (1); Benign (1). Last evaluated 2025-01-17.

Conditions:
Hereditary cancer-predisposing syndrome. Also called: Neoplastic Syndromes, Hereditary; Hereditary Cancer Syndrome; Tumor predisposition; Hereditary neoplastic syndrome. Identifiers: Orphanet 140162, MedGen C0027672, MeSH D009386, MONDO:0015356.
Tuberous sclerosis 2 (TSC2). Identifiers: Orphanet 805, MedGen C1860707, MONDO:0013199, OMIM 613254.

Allele frequency attached by ClinVar (database versions not stated): gnomAD exomes below 0.00001; ExAC 0.00001.
gnomAD v4.1: 2 of 1,613,852 alleles (0.00012%); highest among the groups gnomAD compares: South Asian, 0.0011%; no homozygotes.

Submissions (2):

Ambry Genetics
Classification: Uncertain significance for Hereditary cancer-predisposing syndrome. Last evaluated: 2025-01-17. Review status: criteria provided, single submitter. Criteria: Ambry Variant Classification Scheme 2023. Collection method: clinical testing. Allele origin: germline.
Comment: The p.V504F variant (also known as c.1510G>T), located in coding exon 14 of the TSC2 gene, results from a G to T substitution at nucleotide position 1510. The valine at codon 504 is replaced by phenylalanine, an amino acid with highly similar properties. This amino acid position is conserved. In addition, this alteration is predicted to be deleterious by in silico analysis. Based on the available evidence, the clinical significance of this variant remains unclear.

Labcorp Genetics (formerly Invitae), Labcorp
Classification: Benign for Tuberous sclerosis 2. Last evaluated: 2022-12-06. Review status: criteria provided, single submitter. Criteria: Invitae Variant Classification Sherloc (09022015). Collection method: clinical testing. Allele origin: germline.